The following is an entry in ClinVar:

ClinVar aggregate classification (germline): Uncertain significance (1 of 4 stars; one submission).

Submission:

Labcorp Genetics (formerly Invitae), Labcorp
Classification: Uncertain significance. Last evaluated: 2025-04-19. Review status: criteria provided, single submitter. Criteria: Invitae Variant Classification Sherloc (09022015). Collection method: clinical testing. Allele origin: germline.
Comment: This sequence change replaces isoleucine, which is neutral and non-polar, with leucine, which is neutral and non-polar, at codon 230 of the NUP133 protein (p.Ile230Leu). This variant is not present in population databases (gnomAD no frequency). This variant has not been reported in the literature in individuals affected with NUP133-related conditions. ClinVar contains an entry for this variant (Variation ID: 2717822). An algorithm developed to predict the effect of missense changes on protein structure and function (PolyPhen-2) suggests that this variant is likely to be tolerated. In summary, the available evidence is currently insufficient to determine the role of this variant in disease. Therefore, it has been classified as a Variant of Uncertain Significance.

NM_018230.3(NUP133):c.688A>C (p.Ile230Leu)

Gene: NUP133 (nucleoporin 133; minus strand). Cytogenetic location: 1q42.13.
Variant type: single nucleotide variant.
Coding change: c.688A>C on transcript NM_018230.3 (MANE Select); coding-DNA position 688, A replaced by C.
Protein change: p.Ile230Leu; replaces isoleucine 230 with leucine.
Molecular consequence: missense variant.
Genome position (GRCh38, 1-based): chr1:229,498,267, T>G on the plus strand (A>C on the coding strand, the complement: NUP133 is on the minus strand). VCF-style: chr1-229498267-T-G. GRCh37 (hg19) VCF-style: chr1-229634014-T-G.
Other names: short protein forms I230L.
Identifiers: ClinVar variation 2717822 (VCV002717822.3), dbSNP rs1453591619, ClinGen allele CA345168576.